The following is an entry in ClinVar:

NM_032043.3(BRIP1):c.847T>G (p.Cys283Gly)

Gene: BRIP1 (BRCA1 interacting DNA helicase 1; minus strand). Cytogenetic location: 17q23.2.
Variant type: single nucleotide variant.
Coding change: c.847T>G on transcript NM_032043.3 (MANE Select); coding-DNA position 847, T replaced by G.
Protein change: p.Cys283Gly; replaces cysteine 283 with glycine.
Molecular consequence: missense variant.
Genome position (GRCh38, 1-based): chr17:61,808,538, A>C on the plus strand (T>G on the coding strand, the complement: BRIP1 is on the minus strand). VCF-style: chr17-61808538-A-C. GRCh37 (hg19) VCF-style: chr17-59885899-A-C.
Other names: short protein forms C283G.
Identifiers: ClinVar variation 822489 (VCV000822489.11), dbSNP rs1555609186, ClinGen allele CA400484789.

ClinVar aggregate classification (germline): Uncertain significance. Review status: criteria provided, multiple submitters, no conflicts (2 of 4 stars). 2 submissions from 2 submitters: Uncertain significance (2). Last evaluated 2022-09-14.

Conditions:
Familial cancer of breast. Also called: Hereditary breast cancer; hereditary breast carcinoma; BREAST CANCER, FAMILIAL. Identifiers: Orphanet 227535, MedGen C0346153, MONDO:0016419, OMIM 114480. Disease mechanism: loss of function.
Fanconi anemia complementation group J. Also called: BRIP1-Related Fanconi Anemia. Identifiers: Orphanet 84, MedGen C1836860, MONDO:0012187, OMIM 609054.
Hereditary cancer-predisposing syndrome. Also called: Hereditary Cancer Syndrome; Neoplastic Syndromes, Hereditary; Hereditary neoplastic syndrome; Tumor predisposition. Identifiers: Orphanet 140162, MedGen C0027672, MeSH D009386, MONDO:0015356.

Submissions (2):

Labcorp Genetics (formerly Invitae), Labcorp
Classification: Uncertain significance for Familial cancer of breast; Fanconi anemia complementation group J. Last evaluated: 2022-09-14. Review status: criteria provided, single submitter. Criteria: Invitae Variant Classification Sherloc (09022015). Collection method: clinical testing. Allele origin: germline.
Comment: This sequence change replaces cysteine, which is neutral and slightly polar, with glycine, which is neutral and non-polar, at codon 283 of the BRIP1 protein (p.Cys283Gly). This variant is not present in population databases (gnomAD no frequency). This variant has not been reported in the literature in individuals affected with BRIP1-related conditions. ClinVar contains an entry for this variant (Variation ID: 822489). Advanced modeling of protein sequence and biophysical properties (such as structural, functional, and spatial information, amino acid conservation, physicochemical variation, residue mobility, and thermodynamic stability) performed at Invitae indicates that this missense variant is expected to disrupt BRIP1 protein function. In summary, the available evidence is currently insufficient to determine the role of this variant in disease. Therefore, it has been classified as a Variant of Uncertain Significance.

Ambry Genetics
Classification: Uncertain significance for Hereditary cancer-predisposing syndrome. Last evaluated: 2022-08-07. Review status: criteria provided, single submitter. Criteria: Ambry Variant Classification Scheme 2023. Collection method: clinical testing. Allele origin: germline.
Comment: The p.C283G variant (also known as c.847T>G), located in coding exon 6 of the BRIP1 gene, results from a T to G substitution at nucleotide position 847. The cysteine at codon 283 is replaced by glycine, an amino acid with highly dissimilar properties. This amino acid position is highly conserved in available vertebrate species. In addition, this alteration is predicted to be deleterious by in silico analysis. Since supporting evidence is limited at this time, the clinical significance of this alteration remains unclear.